The following is an entry in ClinVar:

NM_080680.3(COL11A2):c.4959C>T (p.Tyr1653=)

Gene: COL11A2 (collagen type XI alpha 2 chain; minus strand). Cytogenetic location: 6p21.32.
Variant type: single nucleotide variant.
Coding change: c.4959C>T on transcript NM_080680.3 (MANE Select); coding-DNA position 4959, C replaced by T.
Protein change: p.Tyr1653=; no amino-acid change (tyrosine 1653 retained).
Molecular consequence: synonymous variant.
Genome position (GRCh38, 1-based): chr6:33,164,378, G>A on the plus strand (C>T on the coding strand, the complement: COL11A2 is on the minus strand). VCF-style: chr6-33164378-G-A. GRCh37 (hg19) VCF-style: chr6-33132155-G-A.
Other names: c.4638C>T, p.Tyr1546= (NM_080679.3); c.4701C>T, p.Tyr1567= (NM_080681.3).
Identifiers: ClinVar variation 198356 (VCV000198356.20), dbSNP rs140017436, ClinGen allele CA246955.

ClinVar aggregate classification (germline): Conflicting classifications of pathogenicity. Review status: criteria provided, conflicting classifications (1 of 4 stars). 7 submissions from 5 submitters: Uncertain significance (3); Benign (1); Likely benign (3). Last evaluated 2026-01-21.

Conditions:
Fibrochondrogenesis 2 (FBCG2). Identifiers: Orphanet 2021, MedGen C3281128, MONDO:0013795, OMIM 614524.
Otospondylomegaepiphyseal dysplasia, autosomal dominant (OSMEDA). Also called: COL11A2-Related Stickler Syndrome; Pierre Robin syndrome with fetal chondrodysplasia; Stickler syndrome, type 3. Identifiers: Orphanet 166100, Orphanet 3450, MedGen C1848488, MONDO:0008490, OMIM 184840.
Otospondylomegaepiphyseal dysplasia, autosomal recessive (OSMEDB). Also called: CHONDRODYSTROPHY WITH SENSORINEURAL DEAFNESS; Insley-Astley syndrome. Identifiers: Orphanet 1427, MedGen CN034493, MONDO:0044206, OMIM 215150.

Allele frequency attached by ClinVar (database versions not stated): gnomAD 0.00014; TOPMed 0.00014; 1000 Genomes Project 30x 0.00016; 1000 Genomes Project 0.00020; ESP Exome Variant Server 0.00036.
gnomAD v4.1: 351 of 1,611,570 alleles (0.022%); highest among the groups gnomAD compares: Non-Finnish European, 0.029%; 1 homozygote.

Submissions (7):

Labcorp Genetics (formerly Invitae), Labcorp
Classification: Likely benign. Last evaluated: 2026-01-21. Review status: criteria provided, single submitter. Criteria: Invitae Variant Classification Sherloc (09022015). Collection method: clinical testing. Allele origin: germline.

Blueprint Genetics
Classification: Likely benign. Last evaluated: 2024-11-15. Review status: criteria provided, single submitter. Criteria: ACMG Guidelines, 2015. Collection method: clinical testing. Allele origin: germline.

GeneDx
Classification: Likely benign. Last evaluated: 2020-07-22. Review status: criteria provided, single submitter. Criteria: GeneDx Variant Classification Process June 2021. Collection method: clinical testing. Allele origin: germline. Affected: yes.

Illumina Laboratory Services, Illumina
Classification: Benign for Otospondylomegaepiphyseal dysplasia, autosomal recessive. Last evaluated: 2018-01-13. Review status: criteria provided, single submitter. Criteria: ICSL Variant Classification Criteria 13 December 2019. Collection method: clinical testing. Allele origin: germline.
Comment: This variant was observed in the ICSL laboratory as part of a predisposition screen in an ostensibly healthy population. It had not been previously curated by ICSL or reported in the Human Gene Mutation Database (HGMD: prior to June 1st, 2018), and was therefore a candidate for classification through an automated scoring system. Utilizing variant allele frequency, disease prevalence and penetrance estimates, and inheritance mode, an automated score was calculated to assess if this variant is too frequent to cause the disease. Based on the score and internal cut-off values, a variant classified as benign is not then subjected to further curation. The score for this variant resulted in a classification of benign for this disease.

Illumina Laboratory Services, Illumina
Classification: Uncertain significance for Otospondylomegaepiphyseal dysplasia, autosomal dominant. Last evaluated: 2018-01-13. Review status: criteria provided, single submitter. Criteria: ICSL Variant Classification Criteria 13 December 2019. Collection method: clinical testing. Allele origin: germline.

Illumina Laboratory Services, Illumina
Classification: Uncertain significance for Fibrochondrogenesis 2. Last evaluated: 2018-01-13. Review status: criteria provided, single submitter. Criteria: ICSL Variant Classification Criteria 13 December 2019. Collection method: clinical testing. Allele origin: germline.

Eurofins Ntd Llc (ga)
Classification: Uncertain significance. Last evaluated: 2015-03-10. Review status: criteria provided, single submitter. Criteria: EGL Classification Definitions 2015. Collection method: clinical testing. Allele origin: germline. Observed: 1 variant allele, 1 heterozygote.